The following is an entry in ClinVar:

ClinVar aggregate classification (germline): Uncertain significance (1 of 4 stars; one submission).

gnomAD v4.1: 3 of 1,612,874 alleles (0.00019%); highest among the groups gnomAD compares: Non-Finnish European, 0.00025%; no homozygotes.

Submission:

GeneDx
Classification: Uncertain significance. Last evaluated: 2026-03-25. Review status: criteria provided, single submitter. Criteria: GeneDx Variant Classification Process June 2021. Collection method: clinical testing. Allele origin: germline.
Comment: Has not been previously published as pathogenic or benign to our knowledge; Not observed at significant frequency in large population cohorts (gnomAD); In silico analysis supports a deleterious effect on splicing; Located in a specific region of the I-band within TTN for which truncating variants are significantly associated with autosomal dominant cardiomyopathy and also with autosomal recessive skeletal myopathies (PMID: 27625338, 27869827, 32778822); This variant is associated with the following publications: (PMID: 27625338, 27869827, 32778822)

NM_001267550.2(TTN):c.41885-6A>G

Gene: TTN (titin; minus strand). Cytogenetic location: 2q31.2.
Variant type: single nucleotide variant.
Coding change: c.41885-6A>G on transcript NM_001267550.2 (MANE Select); 6 bases into the intron before coding-DNA position 41885, A replaced by G.
Molecular consequence: intron variant.
Genome position (GRCh38, 1-based): chr2:178,635,310, T>C on the plus strand (A>G on the coding strand, the complement: TTN is on the minus strand). VCF-style: chr2-178635310-T-C. GRCh37 (hg19) VCF-style: chr2-179500037-T-C.
Other names: c.14690-6A>G (NM_003319.4); c.15266-6A>G (NM_133437.4); c.15065-6A>G (NM_133432.3); c.34181-6A>G (NM_133378.4); c.36962-6A>G (NM_001256850.1).
Identifiers: ClinVar variation 5016852 (VCV005016852.1).
Genomic context (GRCh38, chr2:178,635,310, plus strand): 5'-TCTTTCTCATAAATGGTAACGTCCTCTATTGGTTTAAGCAGTTCAACTTCACGCTCTGTA[T>C]TGGTCAGGGATGAAGTAACATAATGCTTTAGACAACCCAACGATGCTTTGCTTTTATGTG-3'